The following is an entry in ClinVar:

NM_001035.3(RYR2):c.3895A>G (p.Ile1299Val)

Genes: RYR2 (ryanodine receptor 2; plus strand), LOC126806067 (BRD4-independent group 4 enhancer GRCh37_chr1:237753258-237754457; plus strand). Cytogenetic location: 1q43.
Variant type: single nucleotide variant.
Coding change: c.3895A>G on transcript NM_001035.3 (MANE Select); coding-DNA position 3895, A replaced by G.
Protein change: p.Ile1299Val; replaces isoleucine 1299 with valine.
Molecular consequence: missense variant.
Genome position (GRCh38, 1-based): chr1:237,590,727, A>G. VCF-style: chr1-237590727-A-G. GRCh37 (hg19) VCF-style: chr1-237754027-A-G.
Other names: short protein forms I1299V.
Identifiers: ClinVar variation 4757977 (VCV004757977.1).

ClinVar aggregate classification (germline): Uncertain significance (1 of 4 stars; one submission).

Conditions:
Cardiomyopathy (CMYO). Also called: Cardiomyopathies. Identifiers: Orphanet 167848, MedGen C0878544, MONDO:0004994, HP:0001638. Inheritance: Various modes of inheritance.

gnomAD v4.1: 5 of 1,612,246 alleles (0.00031%); highest among the groups gnomAD compares: South Asian, 0.0011%; no homozygotes.

Submission:

Color Diagnostics, LLC DBA Color Health
Classification: Uncertain significance for Cardiomyopathy. Last evaluated: 2025-09-05. Review status: criteria provided, single submitter. Criteria: ACMG Guidelines, 2015. Collection method: clinical testing. Allele origin: germline.
Comment: This missense variant replaces isoleucine with valine at codon 1299 of the RYR2 protein. Computational prediction suggests that this variant may not impact protein structure and function. To our knowledge, functional studies have not been reported for this variant. This variant has not been reported in individuals affected with RYR2-related disorders in the literature. This variant has not been identified in the general population by the Genome Aggregation Database (gnomAD). The available evidence is insufficient to determine the role of this variant in disease conclusively. Therefore, this variant is classified as a Variant of Uncertain Significance.